The following is an entry in ClinVar:

ClinVar aggregate classification (germline): Pathogenic/Likely pathogenic. Review status: criteria provided, multiple submitters, no conflicts (2 of 4 stars). 4 submissions from 4 submitters: Pathogenic (3); Likely pathogenic (1). Last evaluated 2024-07-15.

Conditions:
Lynch syndrome 5 (LYNCH5). Also called: Hereditary non-polyposis colorectal cancer, type 5; Colorectal cancer, hereditary nonpolyposis, type 5. Identifiers: Orphanet 144, MedGen C1833477, MONDO:0013710, OMIM 614350. Disease mechanism: loss of function.
Hereditary cancer-predisposing syndrome. Also called: Tumor predisposition; Hereditary Cancer Syndrome; Hereditary neoplastic syndrome; Neoplastic Syndromes, Hereditary. Identifiers: Orphanet 140162, MedGen C0027672, MeSH D009386, MONDO:0015356.

Submissions (4):

Ambry Genetics
Classification: Pathogenic for Hereditary cancer-predisposing syndrome. Last evaluated: 2024-07-15. Review status: criteria provided, single submitter. Criteria: Ambry Variant Classification Scheme 2023. Collection method: clinical testing. Allele origin: germline.
Comment: The c.837delCinsTAGTGG pathogenic mutation, located in coding exon 4 of the MSH6 gene, results from the deletion of one nucleotide and insertion of 6 nucleotides causing a translational frameshift with a predicted alternate stop codon (p.G283Efs*10). This variant is considered to be rare based on population cohorts in the Genome Aggregation Database (gnomAD). This alteration is expected to result in loss of function by premature protein truncation or nonsense-mediated mRNA decay. As such, this alteration is interpreted as a disease-causing mutation.

Quest Diagnostics Nichols Institute San Juan Capistrano
Classification: Pathogenic. Last evaluated: 2024-05-08. Review status: criteria provided, single submitter. Criteria: Quest Diagnostics criteria. Collection method: clinical testing. Allele origin: unknown.
Comment: The MSH6 c.837delinsTAGTGG (p.Gly283Glufs*10) variant alters the translational reading frame of the MSH6 mRNA and causes the premature termination of MSH6 protein synthesis. This variant has not been reported in individuals with MSH6-related conditions in the published literature. This variant has not been reported in large, multi-ethnic general populations (Genome Aggregation Database). Based on the available information, this variant is classified as pathogenic.

Myriad Genetics, Inc.
Classification: Pathogenic for Lynch syndrome 5. Last evaluated: 2023-08-10. Review status: criteria provided, single submitter. Criteria: Myriad Autosomal Dominant, Autosomal Recessive and X-Linked Classification Criteria (2023). Collection method: clinical testing. Allele origin: unknown.
Comment: This variant is considered pathogenic. This variant creates a frameshift predicted to result in premature protein truncation.

Revvity Omics, Revvity
Classification: Likely pathogenic. Last evaluated: 2022-01-27. Review status: criteria provided, single submitter. Criteria: ACMG Guidelines, 2015. Collection method: clinical testing. Allele origin: germline.

NM_000179.3(MSH6):c.837delinsTAGTGG (p.Gly283fs)

Gene: MSH6 (mutS homolog 6; plus strand). Cytogenetic location: 2p16.3.
Variant type: Indel.
Coding change: c.837delinsTAGTGG on transcript NM_000179.3 (MANE Select); coding-DNA position 837, C replaced by TAGTGG.
Protein change: p.Gly283fs; shifts the reading frame from glycine 283.
Molecular consequence: frameshift variant. On other transcripts: 5 prime UTR variant (2).
Genome position (GRCh38, 1-based): chr2:47,798,820, C replaced by TAGTGG. VCF-style: chr2-47798820-C-TAGTGG. GRCh37 (hg19) VCF-style: chr2-48025959-C-TAGTGG.
Other names: c.447delinsTAGTGG, p.Gly153fs (NM_001281492.2); c.-70delinsTAGTGG (NM_001281493.2, NM_001281494.2); c.933delCinsTAGTGG, p.Gly315Glufs (NM_001406795.1, NM_001406802.1); c.837delCinsTAGTGG, p.Gly283Glufs (NM_001406796.1, NM_001406798.1, NM_001406800.1 and 4 more transcripts); c.540delCinsTAGTGG, p.Gly184Glufs (NM_001406797.1, NM_001406801.1, NM_001406805.1 and 10 more transcripts); c.312delCinsTAGTGG, p.Gly108Glufs (NM_001406799.1, NM_001406806.1, NM_001406807.1); c.759delCinsTAGTGG, p.Gly257Glufs (NM_001406804.1); c.-70delCinsTAGTGG (NM_001406811.1, NM_001406812.1, NM_001406814.1 and 4 more transcripts); and 2 more; short protein forms G153fs, G283fs.
Identifiers: ClinVar variation 2441500 (VCV002441500.6), dbSNP rs2530573774, ClinGen allele CA2580067251.
Genomic context (GRCh38, chr2:47,798,820, plus strand): 5'-TGGCTCTGATGTGGAATTTAAGCCAGACACTAAGGAGGAAGGAAGCAGTGATGAAATAAG[C>TAGTGG]AGTGGAGTGGGGGATAGTGAGAGTGAAGGCCTGAACAGCCCTGTCAAAGTTGCTCGAAAG-3'